The following is an entry in ClinVar:

NM_001035.3(RYR2):c.4716G>C (p.Lys1572Asn)

Gene: RYR2 (ryanodine receptor 2; plus strand). Cytogenetic location: 1q43.
Variant type: single nucleotide variant.
Coding change: c.4716G>C on transcript NM_001035.3 (MANE Select); coding-DNA position 4716, G replaced by C.
Protein change: p.Lys1572Asn; replaces lysine 1572 with asparagine.
Molecular consequence: missense variant.
Genome position (GRCh38, 1-based): chr1:237,610,794, G>C. VCF-style: chr1-237610794-G-C. GRCh37 (hg19) VCF-style: chr1-237774094-G-C.
Other names: short protein forms K1572N.
Identifiers: ClinVar variation 3073298 (VCV003073298.1), dbSNP rs2546765890, ClinGen allele CA345402280.

ClinVar aggregate classification (germline): Uncertain significance (1 of 4 stars; one submission).

Conditions:
Catecholaminergic polymorphic ventricular tachycardia (CVPT). Also called: Catecholamine-induced polymorphic ventricular tachycardia. Identifiers: Orphanet 3286, MedGen C5574922, MONDO:0017990.

gnomAD v4.1: 1 of 1,609,058 alleles (0.000062%); highest among the groups gnomAD compares: Non-Finnish European, 0.000085%; no homozygotes.

Submission:

All of Us Research Program, National Institutes of Health
Classification: Uncertain significance for Catecholaminergic polymorphic ventricular tachycardia. Last evaluated: 2023-09-04. Review status: criteria provided, single submitter. Criteria: ACMG Guidelines, 2015. Collection method: clinical testing. Allele origin: germline. Inheritance: Autosomal dominant inheritance. Observed: 1 variant allele, 1 heterozygote.
Comment: This missense variant replaces lysine with asparagine at codon 1572 of the RYR2 protein. Computational prediction suggests that this variant may not impact protein structure and function (internally defined REVEL score threshold <= 0.5, PMID: 27666373). To our knowledge, functional studies have not been reported for this variant. This variant has not been reported in individuals affected with RYR2-related disorders in the literature. This variant has not been identified in the general population by the Genome Aggregation Database (gnomAD). The available evidence is insufficient to determine the role of this variant in disease conclusively. Therefore, this variant is classified as a Variant of Uncertain Significance.

This study involves interpretation of variants in research participants for the purpose of population health screening. Participant phenotype was not available at the time of variant classification. Additional details can be found in publication PMID: 35346344, PMCID: PMC8962531